The following is an entry in ClinVar:

NM_001166114.2(PNPLA6):c.1825G>T (p.Ala609Ser)

Gene: PNPLA6 (patatin like domain 6, lysophospholipase; plus strand). Cytogenetic location: 19p13.2.
Variant type: single nucleotide variant.
Coding change: c.1825G>T on transcript NM_001166114.2 (MANE Select); coding-DNA position 1825, G replaced by T.
Protein change: p.Ala609Ser; replaces alanine 609 with serine.
Molecular consequence: missense variant.
Genome position (GRCh38, 1-based): chr19:7,550,308, G>T. VCF-style: chr19-7550308-G-T. GRCh37 (hg19) VCF-style: chr19-7615194-G-T.
Other names: c.1852G>T, p.Ala618Ser (NM_001166111.2); c.1630G>T, p.Ala544Ser (NM_001166112.2); c.1708G>T, p.Ala570Ser (NM_001166113.1, NM_006702.5); short protein forms A570S, A609S, A544S, A618S.
Identifiers: ClinVar variation 3935319 (VCV003935319.3).
Genomic context (GRCh38, chr19:7,550,308, plus strand): 5'-GTAGGACGGTTTTGAGGCCTTCCTCTTTCATCCCAAGTCTGTTCCTGCAGGATCATGCGC[G>T]CACAGCCCAGTGTGGTGCTGAGTGCGGCGCACACGGTGGCAGCCAGGATGTCGCCCTTCG-3'
Protein context (NP_001159586.1, residues 599-619): SKSDFYEIMR[Ala609Ser]QPSVVLSAAH

ClinVar aggregate classification (germline): Uncertain significance. Review status: criteria provided, multiple submitters, no conflicts (2 of 4 stars). 3 submissions from 3 submitters: Uncertain significance (3). Last evaluated 2025-07-01.

Conditions:
Inborn genetic diseases. Identifiers: MedGen C0950123, MeSH D030342.

gnomAD v4.1: 20 of 1,612,684 alleles (0.0012%); highest among the groups gnomAD compares: Non-Finnish European, 0.0017%; no homozygotes.

Submissions (3):

GeneDx
Classification: Uncertain significance. Last evaluated: 2025-07-01. Review status: criteria provided, single submitter. Criteria: GeneDx Variant Classification Process June 2021. Collection method: clinical testing. Allele origin: germline. Affected: yes.
Comment: In silico analysis suggests that this missense variant does not alter protein structure/function; Has not been previously published as pathogenic or benign to our knowledge

Ambry Genetics
Classification: Uncertain significance for Inborn genetic diseases. Last evaluated: 2025-03-27. Review status: criteria provided, single submitter. Criteria: Ambry Variant Classification Scheme 2023. Collection method: clinical testing. Allele origin: germline.

Blueprint Genetics
Classification: Uncertain significance. Last evaluated: 2023-04-19. Review status: criteria provided, single submitter. Criteria: ACMG Guidelines, 2015. Collection method: clinical testing. Allele origin: germline.